The following is an entry in ClinVar:

NC_000023.10:g.(?_132795738)_(133119496_?)del

Gene: GPC3 (glypican 3; minus strand). Cytogenetic location: Xq26.2.
Variant type: Deletion.
Identifiers: ClinVar variation 583690 (VCV000583690.9).

ClinVar aggregate classification (germline): Pathogenic (1 of 4 stars; one submission).

Conditions:
Wilms tumor 1 (WT1). Also called: Wilms tumor, somatic. Identifiers: Orphanet 654, MedGen CN033288, MONDO:0008679, OMIM 194070.

Submission:

Labcorp Genetics (formerly Invitae), Labcorp
Classification: Pathogenic for Wilms tumor 1. Last evaluated: 2018-02-21. Review status: criteria provided, single submitter. Criteria: Invitae Variant Classification Sherloc (09022015). Collection method: clinical testing. Allele origin: germline.
Comment: Loss-of-function variants in GPC3 are known to be pathogenic (PMID: 12713262, 17603795). This variant is a gross deletion of the genomic region encompassing exons 1-6 of the GPC3 gene, which includes the initiator codon. The 5' end of this event is unknown as it extends beyond the assayed region for this gene and therefore may encompass additional genes. The 3' boundary is likely confined to intron 6 of the GPC3 gene. This is expected to result in an absent or disrupted protein product. This variant has not been reported in the literature in individuals with GPC3-related disease. For these reasons, this variant has been classified as Pathogenic.

Literature cited by the submitters: PubMed 12713262; PubMed 17603795.